The following is an entry in ClinVar:

ClinVar aggregate classification (germline): Uncertain significance (1 of 4 stars; one submission).

Submission:

Labcorp Genetics (formerly Invitae), Labcorp
Classification: Uncertain significance. Last evaluated: 2025-04-06. Review status: criteria provided, single submitter. Criteria: Invitae Variant Classification Sherloc (09022015). Collection method: clinical testing. Allele origin: germline.
Comment: This sequence change replaces histidine, which is basic and polar, with arginine, which is basic and polar, at codon 1805 of the CACNA1D protein (p.His1805Arg). This variant is not present in population databases (gnomAD no frequency). This variant has not been reported in the literature in individuals affected with CACNA1D-related conditions. An algorithm developed to predict the effect of missense changes on protein structure and function (PolyPhen-2) suggests that this variant is likely to be tolerated. In summary, the available evidence is currently insufficient to determine the role of this variant in disease. Therefore, it has been classified as a Variant of Uncertain Significance.

NM_001128840.3(CACNA1D):c.5354A>G (p.His1785Arg)

Gene: CACNA1D (calcium voltage-gated channel subunit alpha1 D; plus strand). Cytogenetic location: 3p21.1.
Variant type: single nucleotide variant.
Coding change: c.5354A>G on transcript NM_001128840.3 (MANE Select); coding-DNA position 5354, A replaced by G.
Protein change: p.His1785Arg; replaces histidine 1785 with arginine.
Molecular consequence: missense variant.
Genome position (GRCh38, 1-based): chr3:53,801,371, A>G. VCF-style: chr3-53801371-A-G. GRCh37 (hg19) VCF-style: chr3-53835398-A-G.
Other names: c.5414A>G, p.His1805Arg (NM_000720.4); c.5309A>G, p.His1770Arg (NM_001128839.3); short protein forms H1785R, H1805R, H1770R.
Identifiers: ClinVar variation 4746241 (VCV004746241.1).